The following is an entry in ClinVar:

ClinVar aggregate classification (germline): Uncertain significance (1 of 4 stars; one submission).

Submission:

Dasa
Classification: Uncertain significance. Last evaluated: 2026-03-10. Review status: criteria provided, single submitter. Criteria: DASA Assertion Criteria. Collection method: clinical testing. Allele origin: germline.
Comment: NM_000404.4(GLB1):c.245+192A>C is an intronic variant. This variant is rare in population databases. The currently available literature and clinical evidence are not sufficient to establish a definitive association between this variant and the reported condition. Therefore, this variant is classified as a variant of uncertain significance.

NM_000404.4(GLB1):c.245+192A>C

Gene: GLB1 (galactosidase beta 1; minus strand). Cytogenetic location: 3p22.3.
Variant type: single nucleotide variant.
Coding change: c.245+192A>C on transcript NM_000404.4 (MANE Select); 192 bases into the intron after coding-DNA position 245, A replaced by C.
Molecular consequence: intron variant.
Genome position (GRCh38, 1-based): chr3:33,072,352, T>G on the plus strand (A>C on the coding strand, the complement: GLB1 is on the minus strand). VCF-style: chr3-33072352-T-G. GRCh37 (hg19) VCF-style: chr3-33113844-T-G.
Other names: c.245+192A>C (NM_001393580.1, NM_001135602.3); c.389+192A>C (NM_001317040.2); c.155+192A>C (NM_001079811.3).
Identifiers: ClinVar variation 4882164 (VCV004882164.2).
Genomic context (GRCh38, chr3:33,072,352, plus strand): 5'-TGCTTCCCCCATCCTTTTCCTTTTTAAGCTATTTATTTAATGATTTCTGATGATTAAAAT[T>G]GAAGATTGGAAGAAGTAGTTAATTATTTGAAAAAGGGCCAGTCCGGCTCATGACAAGCCC-3'